The following is an entry in ClinVar:

NM_001375567.1(FOCAD):c.4627A>T (p.Asn1543Tyr)

Gene: FOCAD (focadhesin; plus strand). Cytogenetic location: 9p21.3.
Variant type: single nucleotide variant.
Coding change: c.4627A>T on transcript NM_001375567.1 (MANE Select); coding-DNA position 4627, A replaced by T.
Protein change: p.Asn1543Tyr; replaces asparagine 1543 with tyrosine.
Molecular consequence: missense variant.
Genome position (GRCh38, 1-based): chr9:20,981,675, A>T. VCF-style: chr9-20981675-A-T. GRCh37 (hg19) VCF-style: chr9-20981674-A-T.
Other names: c.4522A>T, p.Asn1508Tyr (NM_001375568.1, NM_001375570.1); c.4627A>T, p.Asn1543Tyr (NM_017794.5); short protein forms N1543Y, N1508Y.
Identifiers: ClinVar variation 4726584 (VCV004726584.1).
Genomic context (GRCh38, chr9:20,981,675, plus strand): 5'-GCCCACCACCTCTGGAGTCTGCTCTCTGAAGCTACTGGGAAAATTTTTGACCTCCTGCCA[A>T]ATAAGATTCGGGTGAGGAACAAAAATATTTACATTCCTGACAATTTATGTTTGGGATATT-3'
Protein context (NP_001362496.1, residues 1533-1553): ATGKIFDLLP[Asn1543Tyr]KIRRKDLELY

ClinVar aggregate classification (germline): Uncertain significance (1 of 4 stars; one submission).

Submission:

Labcorp Genetics (formerly Invitae), Labcorp
Classification: Uncertain significance. Last evaluated: 2025-09-03. Review status: criteria provided, single submitter. Criteria: Invitae Variant Classification Sherloc (09022015). Collection method: clinical testing. Allele origin: germline.
Comment: This sequence change replaces asparagine, which is neutral and polar, with tyrosine, which is neutral and polar, at codon 1543 of the FOCAD protein (p.Asn1543Tyr). This variant is not present in population databases (gnomAD no frequency). This variant has not been reported in the literature in individuals affected with FOCAD-related conditions. Experimental studies and prediction algorithms are not available or were not evaluated, and the functional significance of this variant is currently unknown. In summary, the available evidence is currently insufficient to determine the role of this variant in disease. Therefore, it has been classified as a Variant of Uncertain Significance.